The following is an entry in ClinVar:

ClinVar aggregate classification (germline): Uncertain significance. Review status: criteria provided, multiple submitters, no conflicts (2 of 4 stars). 4 submissions from 4 submitters: Uncertain significance (2). 2 of the submissions do not count toward it. Last evaluated 2025-09-04.

Conditions:
Hereditary cancer-predisposing syndrome. Also called: Hereditary neoplastic syndrome; Hereditary Cancer Syndrome; Neoplastic Syndromes, Hereditary; Tumor predisposition. Identifiers: Orphanet 140162, MedGen C0027672, MeSH D009386, MONDO:0015356.
Hereditary breast ovarian cancer syndrome. Also called: BRCA1- and BRCA2-Associated Hereditary Breast and Ovarian Cancer; Hereditary breast and ovarian cancer syndrome; Hereditary breast and ovarian cancer; Hereditary breast and ovarian cancer syndrome (HBOC); Breast and ovarian cancer; Hereditary breast and/or ovarian cancer syndrome. Identifiers: Orphanet 145, MedGen C0677776, MeSH D061325, MONDO:0003582. Disease mechanism: loss of function.

Submissions (4):

Color Diagnostics, LLC DBA Color Health
Classification: Uncertain significance for Hereditary cancer-predisposing syndrome. Last evaluated: 2025-09-04. Review status: criteria provided, single submitter. Criteria: ACMG Guidelines, 2015. Collection method: clinical testing. Allele origin: germline.
Comment: This missense variant replaces alanine with valine at codon 199 of the BRCA2 protein. Computational prediction suggests that this variant may not impact protein structure and function. To our knowledge, functional studies have not been reported for this variant. This variant has not been reported in individuals affected with BRCA2-related disorders in the literature. This variant has not been identified in the general population by the Genome Aggregation Database (gnomAD). The available evidence is insufficient to determine the role of this variant in disease conclusively. Therefore, this variant is classified as a Variant of Uncertain Significance.

Labcorp Genetics (formerly Invitae), Labcorp
Classification: Uncertain significance for Hereditary breast ovarian cancer syndrome. Last evaluated: 2025-07-28. Review status: criteria provided, single submitter. Criteria: Invitae Variant Classification Sherloc (09022015). Collection method: clinical testing. Allele origin: germline.
Comment: This sequence change replaces alanine, which is neutral and non-polar, with valine, which is neutral and non-polar, at codon 199 of the BRCA2 protein (p.Ala199Val). This variant is not present in population databases (gnomAD no frequency). This missense change has been observed in individual(s) with clinical features of BRCA2-related conditions (PMID: 21520333). ClinVar contains an entry for this variant (Variation ID: 236886). Invitae Evidence Modeling of protein sequence and biophysical properties (such as structural, functional, and spatial information, amino acid conservation, physicochemical variation, residue mobility, and thermodynamic stability) indicates that this missense variant is not expected to disrupt BRCA2 protein function with a negative predictive value of 95%. RNA analysis performed to evaluate the impact of this missense change on mRNA splicing indicates it does not significantly alter splicing (internal data). In summary, the available evidence is currently insufficient to determine the role of this variant in disease. Therefore, it has been classified as a Variant of Uncertain Significance.

Genome Diagnostics Laboratory, University Medical Center Utrecht
Classification: Uncertain significance. Review status: no assertion criteria provided. Collection method: clinical testing. Allele origin: germline. Affected: yes. Study: VKGL Data-share Consensus. Not counted in ClinVar's aggregate classification.

Joint Genome Diagnostic Labs from Nijmegen and Maastricht, Radboudumc and MUMC+
Classification: Uncertain significance. Review status: no assertion criteria provided. Collection method: clinical testing. Allele origin: germline. Affected: yes. Study: VKGL Data-share Consensus. Not counted in ClinVar's aggregate classification.

Literature cited by the submitters: PubMed 21520333 (cited by Labcorp Genetics (formerly Invitae), Labcorp).

NM_000059.4(BRCA2):c.596C>T (p.Ala199Val)

Gene: BRCA2 (BRCA2 DNA repair associated; plus strand). Cytogenetic location: 13q13.1.
Variant type: single nucleotide variant.
Coding change: c.596C>T on transcript NM_000059.4 (MANE Select); coding-DNA position 596, C replaced by T.
Protein change: p.Ala199Val; replaces alanine 199 with valine.
Molecular consequence: missense variant.
Genome position (GRCh38, 1-based): chr13:32,326,578, C>T. VCF-style: chr13-32326578-C-T. GRCh37 (hg19) VCF-style: chr13-32900715-C-T.
Other names: short protein forms A199V.
Identifiers: ClinVar variation 236886 (VCV000236886.15), dbSNP rs878853593, ClinGen allele CA10583068.